The following is an entry in ClinVar:

NM_138694.4(PKHD1):c.4643_4646del (p.His1548fs)

Genes: PKHD1 (PKHD1 ciliary IPT domain containing fibrocystin/polyductin; minus strand), LOC126859690 (MED14-independent group 3 enhancer GRCh37_chr6:51888848-51890047; plus strand). Cytogenetic location: 6p12.2.
Variant type: Deletion.
Coding change: c.4643_4646del on transcript NM_138694.4 (MANE Select); coding-DNA positions 4643 to 4646, 4 bases deleted (ACTA; older notation c.4643_4646delACTA).
Protein change: p.His1548fs; shifts the reading frame from histidine 1548.
Molecular consequence: frameshift variant.
Genome position (GRCh38, 1-based): chr6:52,025,164-52,025,167, TAGT deleted on the plus strand (ACTA on the coding strand, the reverse complement: PKHD1 is on the minus strand). VCF-style (leftmost placement, unchanged base first): chr6-52025163-GTAGT-G. GRCh37 (hg19) VCF-style: chr6-51889961-GTAGT-G.
Other names: c.4643_4646del, p.His1548fs (NM_170724.3); short protein forms H1548fs.
Identifiers: ClinVar variation 4816669 (VCV004816669.1).

ClinVar aggregate classification (germline): Likely pathogenic (1 of 4 stars; one submission).

Conditions:
Autosomal recessive polycystic kidney disease (ARPKD). Also called: AR polycystic kidney disease. Identifiers: Orphanet 731, Orphanet 8378, MedGen C0085548, MeSH D017044, MONDO:0009889.

Submission:

Natera, Inc.
Classification: Likely pathogenic for Autosomal recessive polycystic kidney disease. Last evaluated: 2024-07-29. Review status: criteria provided, single submitter. Criteria: Natera Variant Classification Schema (03/2026). Collection method: clinical testing. Allele origin: germline.
Comment: The c.4643_4646del variant in PKHD1 is a frameshift variant predicted to shift the reading frame beginning at codon 1548 and leads to a stop codon 43 codons downstream. This variant is expected to result in nonsense mediated decay, truncation, or a dysfunctional protein product. This variant is rare in the general population with a frequency below the threshold expected for the associated phenotype(s). Given the available evidence, this variant is classified as Likely Pathogenic.